The following is an entry in ClinVar:

NM_004304.5(ALK):c.3445G>C (p.Val1149Leu)

Gene: ALK (ALK receptor tyrosine kinase; minus strand). Cytogenetic location: 2p23.2.
Variant type: single nucleotide variant.
Coding change: c.3445G>C on transcript NM_004304.5 (MANE Select); coding-DNA position 3445, G replaced by C.
Protein change: p.Val1149Leu; replaces valine 1149 with leucine.
Molecular consequence: missense variant.
Genome position (GRCh38, 1-based): chr2:29,222,522, C>G on the plus strand (G>C on the coding strand, the complement: ALK is on the minus strand). VCF-style: chr2-29222522-C-G. GRCh37 (hg19) VCF-style: chr2-29445388-C-G.
Other names: c.241G>C, p.Val81Leu (NM_001353765.2); c.3445G>C (NM_004304.4); short protein forms V1149L, V81L.
Identifiers: ClinVar variation 1063801 (VCV001063801.11), dbSNP rs1669832449, ClinGen allele CA346463577.
Genomic context (GRCh38, chr2:29,222,522, plus strand): 5'-GCAGCCTACAGAGTCCGCAAGCCAAGGGCAGGCTCAAGAGTGAGCCACTTCTTACCTTCA[C>G]AGCCACTTGCAGGGGGCTTGGGTCGTTGGGCATTCCGGACACCTGGCCTTCATACACCTC-3'
Protein context (NP_004295.2, residues 1139-1159): PNDPSPLQVA[Val1149Leu]KTLPEVCSEQ

ClinVar aggregate classification (germline): Uncertain significance. Review status: criteria provided, multiple submitters, no conflicts (2 of 4 stars). 2 submissions from 2 submitters: Uncertain significance (2). Last evaluated 2025-09-16.

Conditions:
Hereditary cancer-predisposing syndrome. Also called: Tumor predisposition; Neoplastic Syndromes, Hereditary; Hereditary Cancer Syndrome; Hereditary neoplastic syndrome. Identifiers: Orphanet 140162, MedGen C0027672, MeSH D009386, MONDO:0015356.
Neuroblastoma, susceptibility to, 3. Also called: ALK-Related Neuroblastic Tumor Susceptibility. Identifiers: Orphanet 635, MedGen C2751681, MONDO:0013083, OMIM 613014.

Allele frequency attached by ClinVar (database versions not stated): TOPMed below 0.00001.

Submissions (2):

Labcorp Genetics (formerly Invitae), Labcorp
Classification: Uncertain significance for Neuroblastoma, susceptibility to, 3. Last evaluated: 2025-09-16. Review status: criteria provided, single submitter. Criteria: Invitae Variant Classification Sherloc (09022015). Collection method: clinical testing. Allele origin: germline.
Comment: This sequence change replaces valine, which is neutral and non-polar, with leucine, which is neutral and non-polar, at codon 1149 of the ALK protein (p.Val1149Leu). This variant is not present in population databases (gnomAD no frequency). This variant has not been reported in the literature in individuals affected with ALK-related conditions. ClinVar contains an entry for this variant (Variation ID: 1063801). An algorithm developed to predict the effect of missense changes on protein structure and function (PolyPhen-2) suggests that this variant is likely to be disruptive. In summary, the available evidence is currently insufficient to determine the role of this variant in disease. Therefore, it has been classified as a Variant of Uncertain Significance.

Ambry Genetics
Classification: Uncertain significance for Hereditary cancer-predisposing syndrome. Last evaluated: 2025-07-21. Review status: criteria provided, single submitter. Criteria: Ambry Variant Classification Scheme 2023. Collection method: clinical testing. Allele origin: germline.
Comment: The p.V1149L variant (also known as c.3445G>C), located in coding exon 21 of the ALK gene, results from a G to C substitution at nucleotide position 3445. The valine at codon 1149 is replaced by leucine, an amino acid with highly similar properties. This amino acid position is conserved. In addition, the in silico prediction for this alteration is inconclusive. Since supporting evidence is limited at this time, the clinical significance of this alteration remains unclear.